The following is an entry in ClinVar:

ClinVar aggregate classification (germline): Uncertain significance (1 of 4 stars; one submission).

Submission:

GeneDx
Classification: Uncertain significance. Last evaluated: 2016-01-14. Review status: criteria provided, single submitter. Criteria: GeneDx Variant Classification (06012015). Collection method: clinical testing. Allele origin: germline. Affected: yes.
Comment: The c.2485-10 T>G variant has not been published as a pathogenic variant, nor has it been reported as a benign variant to our knowledge. The c.2485-10 T>G variant was not observed in approximately 6,500 individuals of European and African American ancestry in the NHLBI Exome Sequencing Project, indicating it is not a common benign variant in these populations. Several in-silico splice prediction models predict that c.2485-10 T>G may damage the natural splice acceptor site in intron 15 and lead to abnormal gene splicing. However, in the absence of RNA/functional studies, the actual effect of this sequence change is unknown. Therefore, based on the currently available information, it is unclear whether this variant is a pathogenic variant or a rare benign variant

NM_001365536.1(SCN9A):c.2518-10T>G

Genes: SCN1A-AS1 (SCN1A and SCN9A antisense RNA 1; plus strand), SCN9A (sodium voltage-gated channel alpha subunit 9; minus strand). Cytogenetic location: 2q24.3.
Variant type: single nucleotide variant.
Coding change: c.2518-10T>G on transcript NM_001365536.1 (MANE Select); 10 bases into the intron before coding-DNA position 2518, T replaced by G.
Molecular consequence: intron variant.
Genome position (GRCh38, 1-based): chr2:166,277,349, A>C on the plus strand (T>G on the coding strand, the complement: SCN9A is on the minus strand). VCF-style: chr2-166277349-A-C. GRCh37 (hg19) VCF-style: chr2-167133859-A-C.
Other names: c.2485-10T>G (NM_002977.4).
Identifiers: ClinVar variation 246247 (VCV000246247.2), dbSNP rs879254177, ClinGen allele CA10584166.
Genomic context (GRCh38, chr2:166,277,349, plus strand): 5'-AATCAGCATGTTCAATGTTGGCCAGGATTTTGCCAACTTGAAGACTCGGAGCTAAAAGCA[A>C]ATATAAAGTTTAATGTTAATCACTATGAAAATCTTTTCAATGTTTCCAATCTTGATTTTT-3'